The following is an entry in ClinVar:

ClinVar aggregate classification (germline): Uncertain significance. Review status: criteria provided, multiple submitters, no conflicts (2 of 4 stars). 3 submissions from 3 submitters: Uncertain significance (2). 1 of the submissions does not count toward it. Last evaluated 2025-12-03.

Conditions:
MLH3-related disorder. Also called: MLH3-related condition.
Colorectal cancer, hereditary nonpolyposis, type 7. Identifiers: Orphanet 144, MedGen C1858380, MONDO:0013725, OMIM 614385.

Allele frequency attached by ClinVar (database versions not stated): ExAC 0.00001; gnomAD 0.00001; gnomAD exomes 0.00001; TOPMed 0.00001.
gnomAD v4.1: 20 of 1,614,026 alleles (0.0012%); highest among the groups gnomAD compares: Non-Finnish European, 0.0017%; no homozygotes.

Submissions (3):

Ambry Genetics
Classification: Uncertain significance. Last evaluated: 2025-12-03. Review status: criteria provided, single submitter. Criteria: Ambry Variant Classification Scheme 2023. Collection method: clinical testing. Allele origin: germline.
Comment: The p.K1325R variant (also known as c.3974A>G), located in coding exon 8 of the MLH3 gene, results from an A to G substitution at nucleotide position 3974. The lysine at codon 1325 is replaced by arginine, an amino acid with highly similar properties. This amino acid position is well conserved in available vertebrate species. In addition, this alteration is predicted to be tolerated by in silico analysis. Since supporting evidence is limited at this time, the clinical significance of this alteration remains unclear.

Labcorp Genetics (formerly Invitae), Labcorp
Classification: Uncertain significance for Colorectal cancer, hereditary nonpolyposis, type 7. Last evaluated: 2025-01-14. Review status: criteria provided, single submitter. Criteria: Invitae Variant Classification Sherloc (09022015). Collection method: clinical testing. Allele origin: germline.
Comment: This sequence change replaces lysine, which is basic and polar, with arginine, which is basic and polar, at codon 1325 of the MLH3 protein (p.Lys1325Arg). This variant is present in population databases (rs781013323, gnomAD 0.002%). This variant has not been reported in the literature in individuals affected with MLH3-related conditions. ClinVar contains an entry for this variant (Variation ID: 1045665). An algorithm developed to predict the effect of missense changes on protein structure and function outputs the following: PolyPhen-2: "Benign". The arginine amino acid residue is found in multiple mammalian species, which suggests that this missense change does not adversely affect protein function. In summary, the available evidence is currently insufficient to determine the role of this variant in disease. Therefore, it has been classified as a Variant of Uncertain Significance.

PreventionGenetics, part of Exact Sciences
Classification: Uncertain significance for MLH3-related condition. Last evaluated: 2024-02-22. Review status: no assertion criteria provided. Collection method: clinical testing. Allele origin: germline. Not counted in ClinVar's aggregate classification.
Comment: The MLH3 c.3974A>G variant is predicted to result in the amino acid substitution p.Lys1325Arg. To our knowledge, this variant has not been reported in the literature. This variant is reported in 0.0018% of alleles in individuals of European (non-Finnish) descent in gnomAD and is reported as a variant of uncertain significance in ClinVar. At this time, the clinical significance of this variant is uncertain due to the absence of conclusive functional and genetic evidence.

NM_001040108.2(MLH3):c.3974A>G (p.Lys1325Arg)

Gene: MLH3 (mutL homolog 3; minus strand). Cytogenetic location: 14q24.3.
Variant type: single nucleotide variant.
Coding change: c.3974A>G on transcript NM_001040108.2 (MANE Select); coding-DNA position 3974, A replaced by G.
Protein change: p.Lys1325Arg; replaces lysine 1325 with arginine.
Molecular consequence: missense variant.
Genome position (GRCh38, 1-based): chr14:75,030,556, T>C on the plus strand (A>G on the coding strand, the complement: MLH3 is on the minus strand). VCF-style: chr14-75030556-T-C. GRCh37 (hg19) VCF-style: chr14-75497259-T-C.
Other names: c.3902A>G, p.Lys1301Arg (NM_014381.3); short protein forms K1301R, K1325R.
Identifiers: ClinVar variation 1045665 (VCV001045665.14), dbSNP rs781013323, ClinGen allele CA7275284.